The following is an entry in ClinVar:

NM_012087.4(GTF3C5):c.36C>T (p.Ala12=)

Gene: GTF3C5 (general transcription factor IIIC subunit 5; plus strand). Cytogenetic location: 9q34.13.
Variant type: single nucleotide variant.
Coding change: c.36C>T on transcript NM_012087.4 (MANE Select); coding-DNA position 36, C replaced by T.
Protein change: p.Ala12=; no amino-acid change (alanine 12 retained).
Molecular consequence: synonymous variant. On other transcripts: 5 prime UTR variant (1).
Genome position (GRCh38, 1-based): chr9:133,031,047, C>T. VCF-style: chr9-133031047-C-T. GRCh37 (hg19) VCF-style: chr9-135906434-C-T.
Other names: c.36C>T, p.Ala12= (NM_001122823.2); c.-68C>T (NM_001286709.2).
Identifiers: ClinVar variation 5040843 (VCV005040843.1).

ClinVar aggregate classification (germline): Benign (1 of 4 stars; one submission).

gnomAD v4.1: 1,495 of 1,612,050 alleles (0.093%); highest among the groups gnomAD compares: East Asian, 1.2%; 16 homozygotes.

Submission:

CeGaT Center for Human Genetics Tuebingen
Classification: Benign. Last evaluated: 2026-09-01. Review status: criteria provided, single submitter. Criteria: CeGaT Center For Human Genetics Tuebingen Variant Classification Criteria Version 2. Collection method: clinical testing. Allele origin: germline. Affected: yes. Observed: 1 variant allele.
Comment: GTF3C5: BP4, BP7, BS1, BS2